The following is an entry in ClinVar:

NM_001160148.2(DDHD1):c.1996del (p.Tyr666fs)

Gene: DDHD1 (DDHD domain containing 1; minus strand). Cytogenetic location: 14q22.1.
Variant type: Deletion.
Coding change: c.1996del on transcript NM_001160148.2 (MANE Select); coding-DNA position 1996, one base deleted (T; older notation c.1996delT).
Protein change: p.Tyr666fs; shifts the reading frame from tyrosine 666.
Molecular consequence: frameshift variant.
Genome position (GRCh38, 1-based): chr14:53,055,909, A deleted on the plus strand (T on the coding strand, the reverse complement: DDHD1 is on the minus strand); the first of 2 consecutive A bases (chr14:53,055,909-53,055,910); deleting either gives the same sequence. VCF-style (leftmost placement, unchanged base first): chr14-53055908-TA-T. GRCh37 (hg19) VCF-style: chr14-53522626-TA-T.
Other names: c.2017del, p.Tyr673fs (NM_001160147.2); c.1996del, p.Tyr666fs (NM_030637.3); short protein forms Y673fs, Y666fs.
Identifiers: ClinVar variation 2815864 (VCV002815864.3), dbSNP rs2503054402, ClinGen allele CA2575530497.
Genomic context (GRCh38, chr14:53,055,908, plus strand): 5'-CAGTGGATCTGGACAGGTGAAATGTTGCTGTAGTGTTTCAGTATTAATGGTTCTAATCTA[TA>T]AGCCTTGATTTAAAAAAAAAAATTCAAAGAAACACAGTGTTAAATCACAATGCTTGGATT-3'

ClinVar aggregate classification (germline): Pathogenic (1 of 4 stars; one submission).

Conditions:
Hereditary spastic paraplegia 28. Also called: Spastic paraplegia 28, autosomal recessive. Identifiers: Orphanet 101008, MedGen C1836295, MONDO:0012256, OMIM 609340.

Submission:

Labcorp Genetics (formerly Invitae), Labcorp
Classification: Pathogenic for Hereditary spastic paraplegia 28. Last evaluated: 2024-01-04. Review status: criteria provided, single submitter. Criteria: Invitae Variant Classification Sherloc (09022015). Collection method: clinical testing. Allele origin: germline.
Comment: This sequence change creates a premature translational stop signal (p.Tyr673Ilefs*3) in the DDHD1 gene. It is expected to result in an absent or disrupted protein product. Loss-of-function variants in DDHD1 are known to be pathogenic (PMID: 23176821, 24989667, 26944165, 27216551). This variant is not present in population databases (gnomAD no frequency). This variant has not been reported in the literature in individuals affected with DDHD1-related conditions. For these reasons, this variant has been classified as Pathogenic.

Literature cited by the submitters: PubMed 23176821; PubMed 24989667; PubMed 26944165; PubMed 27216551.